The following is an entry in ClinVar:

ClinVar aggregate classification (germline): Pathogenic (1 of 4 stars; one submission).

Conditions:
Telangiectasia, hereditary hemorrhagic, type 5 (HHT5). Identifiers: Orphanet 774, MedGen C3809710, MONDO:0014217, OMIM 615506.

Submission:

Labcorp Genetics (formerly Invitae), Labcorp
Classification: Pathogenic for Telangiectasia, hereditary hemorrhagic, type 5. Last evaluated: 2024-12-04. Review status: criteria provided, single submitter. Criteria: Invitae Variant Classification Sherloc (09022015). Collection method: clinical testing. Allele origin: germline.
Comment: This sequence change creates a premature translational stop signal (p.Leu251Cysfs*22) in the GDF2 gene. While this is not anticipated to result in nonsense mediated decay, it is expected to disrupt the last 179 amino acid(s) of the GDF2 protein. This variant is not present in population databases (gnomAD no frequency). This premature translational stop signal has been observed in individual(s) with pulmonary arterial hypertension (PMID: 31727138). This variant disrupts a region of the GDF2 protein in which other variant(s) (p.Val423Met) have been determined to be pathogenic (PMID: 30578397, 31727138). This suggests that this is a clinically significant region of the protein, and that variants that disrupt it are likely to be disease-causing. For these reasons, this variant has been classified as Pathogenic.

Literature cited by the submitters: PubMed 31727138; PubMed 30578397.

NM_016204.4(GDF2):c.751del (p.Leu251fs)

Gene: GDF2 (growth differentiation factor 2; plus strand). Cytogenetic location: 10q11.22.
Variant type: Deletion.
Coding change: c.751del on transcript NM_016204.4 (MANE Select); coding-DNA position 751, one base deleted (C; older notation c.751delC).
Protein change: p.Leu251fs; shifts the reading frame from leucine 251.
Molecular consequence: frameshift variant.
Genome position (GRCh38, 1-based): chr10:47,325,245, C deleted; the last of 2 consecutive C bases (chr10:47,325,244-47,325,245); deleting either gives the same sequence. VCF-style (leftmost placement, unchanged base first): chr10-47325243-AC-A. GRCh37 (hg19) VCF-style: chr10-48414116-AG-A.
Other names: short protein forms L251fs.
Identifiers: ClinVar variation 3603321 (VCV003603321.2).
Genomic context (GRCh38, chr10:47,325,243, plus strand): 5'-TGGAGAGCCACAGGAAGGGCTGCGACACGCTGGACATCAGTGTCCCCCCAGGTTCCAGAA[AC>A]CTGCCCTTCTTTGTTGTCTTCTCCAATGACCACAGCAGTGGGACCAAGGAGACCAGGCTG-3'